The following is an entry in ClinVar:

ClinVar aggregate classification (germline): Conflicting classifications of pathogenicity. Review status: criteria provided, conflicting classifications (1 of 4 stars). 2 submissions from 2 submitters: Uncertain significance (1); Benign (1). Last evaluated 2025-09-14.

Conditions:
Familial thoracic aortic aneurysm and aortic dissection (TAAD). Also called: Thoracic aortic aneurysms and dissections. Identifiers: Orphanet 91387, MedGen C4707243, MONDO:0019625.
Ehlers-Danlos syndrome, classic type, 1 (EDSCL1). Also called: Ehlers-Danlos Syndrome, Classic Type, COL5A1-Related; EDS I; Ehlers-Danlos syndrome, type 1; EHLERS-DANLOS SYNDROME, GRAVIS TYPE; EHLERS-DANLOS SYNDROME, SEVERE CLASSIC TYPE. Identifiers: MedGen C0268335, MONDO:0019567, OMIM 130000.

Allele frequency attached by ClinVar (database versions not stated): gnomAD exomes 0.00001 and 0.00002; ESP Exome Variant Server 0.00038; gnomAD 0.00014 and 0.00017; ExAC 0.00003; TOPMed 0.00012.
gnomAD v4.1: 33 of 1,614,046 alleles (0.002%); highest among the groups gnomAD compares: African/African-American, 0.044%; no homozygotes.

Submissions (2):

Labcorp Genetics (formerly Invitae), Labcorp
Classification: Benign for Ehlers-Danlos syndrome, classic type, 1. Last evaluated: 2025-09-14. Review status: criteria provided, single submitter. Criteria: Invitae Variant Classification Sherloc (09022015). Collection method: clinical testing. Allele origin: germline.

Ambry Genetics
Classification: Uncertain significance for Familial thoracic aortic aneurysm and aortic dissection. Last evaluated: 2017-12-26. Review status: criteria provided, single submitter. Criteria: Ambry Variant Classification Scheme 2023. Collection method: clinical testing. Allele origin: germline.
Comment: The p.G268V variant (also known as c.803G>T), located in coding exon 6 of the COL5A1 gene, results from a G to T substitution at nucleotide position 803. The glycine at codon 268 is replaced by valine, an amino acid with dissimilar properties. This amino acid position is well conserved in available vertebrate species. In addition, this alteration is predicted to be tolerated by in silico analysis. Since supporting evidence is limited at this time, the clinical significance of this alteration remains unclear.

NM_000093.5(COL5A1):c.803G>T (p.Gly268Val)

Gene: COL5A1 (collagen type V alpha 1 chain; plus strand). Cytogenetic location: 9q34.3.
Variant type: single nucleotide variant.
Coding change: c.803G>T on transcript NM_000093.5 (MANE Select); coding-DNA position 803, G replaced by T.
Protein change: p.Gly268Val; replaces glycine 268 with valine.
Molecular consequence: missense variant.
Genome position (GRCh38, 1-based): chr9:134,728,686, G>T. VCF-style: chr9-134728686-G-T. GRCh37 (hg19) VCF-style: chr9-137620532-G-T.
Other names: c.803G>T, p.Gly268Val (NM_001278074.1); short protein forms G268V.
Identifiers: ClinVar variation 519661 (VCV000519661.14), dbSNP rs145552797, ClinGen allele CA5318548.